The following is an entry in ClinVar:

ClinVar aggregate classification (germline): Likely benign (0 of 4 stars; one submission).

Conditions:
LRP1-related disorder. Also called: LRP1-related condition.

Allele frequency attached by ClinVar (database versions not stated): TOPMed below 0.00001; ExAC 0.00001; gnomAD 0.00001; gnomAD exomes 0.00001.
gnomAD v4.1: 5 of 1,611,430 alleles (0.00031%); highest among the groups gnomAD compares: Admixed American, 0.0017%; no homozygotes.

Submission:

PreventionGenetics, part of Exact Sciences
Classification: Likely benign for LRP1-related condition. Last evaluated: 2019-04-24. Review status: no assertion criteria provided. Collection method: clinical testing. Allele origin: germline.
Comment: This variant is classified as likely benign based on ACMG/AMP sequence variant interpretation guidelines (Richards et al. 2015 PMID: 25741868, with internal and published modifications).

NM_002332.3(LRP1):c.10785T>C (p.Asp3595=)

Gene: LRP1 (LDL receptor related protein 1; plus strand). Cytogenetic location: 12q13.3.
Variant type: single nucleotide variant.
Coding change: c.10785T>C on transcript NM_002332.3 (MANE Select); coding-DNA position 10785, T replaced by C.
Protein change: p.Asp3595=; no amino-acid change (aspartic acid 3595 retained).
Molecular consequence: synonymous variant.
Genome position (GRCh38, 1-based): chr12:57,203,254, T>C. VCF-style: chr12-57203254-T-C. GRCh37 (hg19) VCF-style: chr12-57597037-T-C.
Identifiers: ClinVar variation 3046455 (VCV003046455.2), dbSNP rs754459908, ClinGen allele CA6645070.